The following is an entry in ClinVar:

ClinVar aggregate classification (germline): Uncertain significance. Review status: criteria provided, multiple submitters, no conflicts (2 of 4 stars). 3 submissions from 3 submitters: Uncertain significance (3). Last evaluated 2024-10-11.

Conditions:
Iron-refractory iron deficiency anemia (IRIDA). Also called: IRON-HANDLING DISORDER, HEREDITARY; IRIDA syndrome; ANEMIA, HYPOCHROMIC MICROCYTIC, WITH DEFECT IN IRON METABOLISM; PSEUDO-IRON-DEFICIENCY ANEMIA. Identifiers: Orphanet 209981, MedGen C0085576, MONDO:0008788, OMIM 206200. Disease mechanism: loss of function.
Inborn genetic diseases. Identifiers: MedGen C0950123, MeSH D030342.

Allele frequency attached by ClinVar (database versions not stated): gnomAD 0.00003; 1000 Genomes Project 0.00020; 1000 Genomes Project 30x 0.00031.
gnomAD v4.1: 41 of 1,564,908 alleles (0.0026%); highest among the groups gnomAD compares: East Asian, 0.028%; no homozygotes.

Submissions (3):

Revvity Omics, Revvity
Classification: Uncertain significance for Iron-refractory iron deficiency anemia. Last evaluated: 2024-10-11. Review status: criteria provided, single submitter. Criteria: ACMG Guidelines, 2015. Collection method: clinical testing. Allele origin: germline.

Labcorp Genetics (formerly Invitae), Labcorp
Classification: Uncertain significance. Last evaluated: 2022-08-20. Review status: criteria provided, single submitter. Criteria: Invitae Variant Classification Sherloc (09022015). Collection method: clinical testing. Allele origin: germline.
Comment: In summary, the available evidence is currently insufficient to determine the role of this variant in disease. Therefore, it has been classified as a Variant of Uncertain Significance. Algorithms developed to predict the effect of missense changes on protein structure and function output the following: SIFT: "Tolerated"; PolyPhen-2: "Benign"; Align-GVGD: "Class C0". The isoleucine amino acid residue is found in multiple mammalian species, which suggests that this missense change does not adversely affect protein function. This variant has not been reported in the literature in individuals affected with TMPRSS6-related conditions. This variant is present in population databases (rs201126963, gnomAD 0.07%). This sequence change replaces valine, which is neutral and non-polar, with isoleucine, which is neutral and non-polar, at codon 350 of the TMPRSS6 protein (p.Val350Ile).

Ambry Genetics
Classification: Uncertain significance for Inborn genetic diseases. Last evaluated: 2021-07-15. Review status: criteria provided, single submitter. Criteria: Ambry Variant Classification Scheme 2023. Collection method: clinical testing. Allele origin: germline.

NM_001374504.1(TMPRSS6):c.1021G>A (p.Val341Ile)

Gene: TMPRSS6 (transmembrane serine protease 6; minus strand). Cytogenetic location: 22q12.3.
Variant type: single nucleotide variant.
Coding change: c.1021G>A on transcript NM_001374504.1 (MANE Select); coding-DNA position 1021, G replaced by A.
Protein change: p.Val341Ile; replaces valine 341 with isoleucine.
Molecular consequence: missense variant.
Genome position (GRCh38, 1-based): chr22:37,084,792, C>T on the plus strand (G>A on the coding strand, the complement: TMPRSS6 is on the minus strand). VCF-style: chr22-37084792-C-T. GRCh37 (hg19) VCF-style: chr22-37480832-C-T.
Other names: c.1021G>A, p.Val341Ile (NM_001289000.2, NM_001289001.2, NM_153609.4); c.1048G>A (NM_153609.3); short protein forms V341I.
Identifiers: ClinVar variation 2062877 (VCV002062877.6), dbSNP rs201126963, ClinGen allele CA10215805.